The following is an entry in ClinVar:

ClinVar aggregate classification (germline): Uncertain significance (1 of 4 stars; one submission).

Conditions:
Autosomal recessive limb-girdle muscular dystrophy type R18 (LGMDR18). Also called: MUSCULAR DYSTROPHY, LIMB-GIRDLE, AUTOSOMAL RECESSIVE 18; Autosomal recessive limb-girdle muscular dystrophy type 2S; Limb-girdle muscular dystrophy, type 2S. Identifiers: Orphanet 369840, MedGen C4517996, MONDO:0014144, OMIM 615356.

Submission:

Labcorp Genetics (formerly Invitae), Labcorp
Classification: Uncertain significance for Autosomal recessive limb-girdle muscular dystrophy type R18. Last evaluated: 2022-04-06. Review status: criteria provided, single submitter. Criteria: Invitae Variant Classification Sherloc (09022015). Collection method: clinical testing. Allele origin: germline.
Comment: In summary, the available evidence is currently insufficient to determine the role of this variant in disease. Therefore, it has been classified as a Variant of Uncertain Significance. Algorithms developed to predict the effect of missense changes on protein structure and function (SIFT, PolyPhen-2, Align-GVGD) all suggest that this variant is likely to be tolerated. This variant has not been reported in the literature in individuals affected with TRAPPC11-related conditions. This variant is not present in population databases (gnomAD no frequency). This sequence change replaces threonine, which is neutral and polar, with isoleucine, which is neutral and non-polar, at codon 782 of the TRAPPC11 protein (p.Thr782Ile).

NM_021942.6(TRAPPC11):c.2345C>T (p.Thr782Ile)

Genes: TRAPPC11 (trafficking protein particle complex subunit 11; plus strand), LOC126807238 (BRD4-independent group 4 enhancer GRCh37_chr4:184614366-184615565; plus strand). Cytogenetic location: 4q35.1.
Variant type: single nucleotide variant.
Coding change: c.2345C>T on transcript NM_021942.6 (MANE Select); coding-DNA position 2345, C replaced by T.
Protein change: p.Thr782Ile; replaces threonine 782 with isoleucine.
Molecular consequence: missense variant.
Genome position (GRCh38, 1-based): chr4:183,693,696, C>T. VCF-style: chr4-183693696-C-T. GRCh37 (hg19) VCF-style: chr4-184614849-C-T.
Other names: c.2345C>T, p.Thr782Ile (NM_199053.3); short protein forms T782I.
Identifiers: ClinVar variation 2118129 (VCV002118129.4), dbSNP rs547843216, ClinGen allele CA358871516.